The following is an entry in ClinVar:

NM_020937.4(FANCM):c.2801C>G (p.Thr934Ser)

Gene: FANCM (FA complementation group M; plus strand). Cytogenetic location: 14q21.2.
Variant type: single nucleotide variant.
Coding change: c.2801C>G on transcript NM_020937.4 (MANE Select); coding-DNA position 2801, C replaced by G.
Protein change: p.Thr934Ser; replaces threonine 934 with serine.
Molecular consequence: missense variant.
Genome position (GRCh38, 1-based): chr14:45,175,555, C>G. VCF-style: chr14-45175555-C-G. GRCh37 (hg19) VCF-style: chr14-45644758-C-G.
Other names: c.2723C>G, p.Thr908Ser (NM_001308133.2); short protein forms T908S, T934S.
Identifiers: ClinVar variation 2161308 (VCV002161308.5), dbSNP rs565454064, ClinGen allele CA389599210.

ClinVar aggregate classification (germline): Uncertain significance. Review status: criteria provided, multiple submitters, no conflicts (2 of 4 stars). 2 submissions from 2 submitters: Uncertain significance (2). Last evaluated 2025-07-13.

Conditions:
Inborn genetic diseases. Identifiers: MedGen C0950123, MeSH D030342.
Fanconi anemia (FA). Also called: Fanconi's anemia. Identifiers: Orphanet 84, MedGen C0015625, MeSH D005199, MONDO:0019391.

gnomAD v4.1: 2 of 1,613,186 alleles (0.00012%); highest among the groups gnomAD compares: African/African-American, 0.0027%; no homozygotes.

Submissions (2):

Ambry Genetics
Classification: Uncertain significance for Inborn genetic diseases. Last evaluated: 2025-07-13. Review status: criteria provided, single submitter. Criteria: Ambry Variant Classification Scheme 2023. Collection method: clinical testing. Allele origin: germline.
Comment: The p.T934S variant (also known as c.2801C>G), located in coding exon 14 of the FANCM gene, results from a C to G substitution at nucleotide position 2801. The threonine at codon 934 is replaced by serine, an amino acid with similar properties. This amino acid position is conserved. In addition, this alteration is predicted to be tolerated by in silico analysis. Based on the available evidence, the clinical significance of this variant remains unclear.

Labcorp Genetics (formerly Invitae), Labcorp
Classification: Uncertain significance for Fanconi anemia. Last evaluated: 2022-03-16. Review status: criteria provided, single submitter. Criteria: Invitae Variant Classification Sherloc (09022015). Collection method: clinical testing. Allele origin: germline.
Comment: This sequence change replaces threonine, which is neutral and polar, with serine, which is neutral and polar, at codon 934 of the FANCM protein (p.Thr934Ser). This variant is not present in population databases (gnomAD no frequency). This variant has not been reported in the literature in individuals affected with FANCM-related conditions. Algorithms developed to predict the effect of missense changes on protein structure and function output the following: SIFT: "Tolerated"; PolyPhen-2: "Benign"; Align-GVGD: "Class C0". The serine amino acid residue is found in multiple mammalian species, which suggests that this missense change does not adversely affect protein function. In summary, the available evidence is currently insufficient to determine the role of this variant in disease. Therefore, it has been classified as a Variant of Uncertain Significance.